The following is an entry in ClinVar:

ClinVar aggregate classification (germline): Uncertain significance (1 of 4 stars; one submission).

gnomAD v4.1: 2 of 1,558,538 alleles (0.00013%); highest among the groups gnomAD compares: African/African-American, 0.0027%; no homozygotes.

Submission:

Labcorp Genetics (formerly Invitae), Labcorp
Classification: Uncertain significance. Last evaluated: 2022-07-11. Review status: criteria provided, single submitter. Criteria: Invitae Variant Classification Sherloc (09022015). Collection method: clinical testing. Allele origin: germline.
Comment: In summary, the available evidence is currently insufficient to determine the role of this variant in disease. Therefore, it has been classified as a Variant of Uncertain Significance. Algorithms developed to predict the effect of missense changes on protein structure and function are either unavailable or do not agree on the potential impact of this missense change (SIFT: "Deleterious"; PolyPhen-2: "Benign"; Align-GVGD: "Class C0"). ClinVar contains an entry for this variant (Variation ID: 1062020). This variant has not been reported in the literature in individuals affected with CACNA2D4-related conditions. This variant is not present in population databases (gnomAD no frequency). This sequence change replaces alanine, which is neutral and non-polar, with proline, which is neutral and non-polar, at codon 852 of the CACNA2D4 protein (p.Ala852Pro).

NM_172364.5(CACNA2D4):c.2554G>C (p.Ala852Pro)

Gene: CACNA2D4 (calcium voltage-gated channel auxiliary subunit alpha2delta 4; minus strand). Cytogenetic location: 12p13.33.
Variant type: single nucleotide variant.
Coding change: c.2554G>C on transcript NM_172364.5 (MANE Select); coding-DNA position 2554, G replaced by C.
Protein change: p.Ala852Pro; replaces alanine 852 with proline.
Molecular consequence: missense variant.
Genome position (GRCh38, 1-based): chr12:1,811,721, C>G on the plus strand (G>C on the coding strand, the complement: CACNA2D4 is on the minus strand). VCF-style: chr12-1811721-C-G. GRCh37 (hg19) VCF-style: chr12-1920887-C-G.
Other names: short protein forms A852P.
Identifiers: ClinVar variation 1062020 (VCV001062020.9), dbSNP rs961730912, ClinGen allele CA383350448.
Genomic context (GRCh38, chr12:1,811,721, plus strand): 5'-CCTGCCGCGTTGCCGCCCAGAATTTGCGCTGGAGGAATTCCAGCTTCATTTGGACGCCCG[C>G]GGCTACAGGGCAGAAAGAGAGAGGGCAAGGCCAGGGAAGAGACGGGGAGAGAAAAAAATA-3'
Protein context (NP_758952.4, residues 842-862): VDKRTAIAAA[Ala852Pro]GVQMKLEFLQ